The following is an entry in ClinVar:

ClinVar aggregate classification (germline): Uncertain significance (1 of 4 stars; one submission).

gnomAD v4.1: 2 of 1,613,826 alleles (0.00012%); highest among the groups gnomAD compares: Admixed American, 0.0033%; no homozygotes.

Submission:

Ambry Genetics
Classification: Uncertain significance. Last evaluated: 2024-05-12. Review status: criteria provided, single submitter. Criteria: Ambry Variant Classification Scheme 2023. Collection method: clinical testing. Allele origin: germline.
Comment: The p.K2454R variant (also known as c.7361A>G), located in coding exon 27 of the POLQ gene, results from an A to G substitution at nucleotide position 7361. The lysine at codon 2454 is replaced by arginine, an amino acid with highly similar properties. This amino acid position is conserved. In addition, this alteration is predicted to be tolerated by in silico analysis. Based on the available evidence, the clinical significance of this variant remains unclear.

NM_199420.4(POLQ):c.7361A>G (p.Lys2454Arg)

Gene: POLQ (DNA polymerase theta; minus strand). Cytogenetic location: 3q13.33.
Variant type: single nucleotide variant.
Coding change: c.7361A>G on transcript NM_199420.4 (MANE Select); coding-DNA position 7361, A replaced by G.
Protein change: p.Lys2454Arg; replaces lysine 2454 with arginine.
Molecular consequence: missense variant.
Genome position (GRCh38, 1-based): chr3:121,440,020, T>C on the plus strand (A>G on the coding strand, the complement: POLQ is on the minus strand). VCF-style: chr3-121440020-T-C. GRCh37 (hg19) VCF-style: chr3-121158867-T-C.
Other names: short protein forms K2454R.
Identifiers: ClinVar variation 3308679 (VCV003308679.1).